The following is an entry in ClinVar:

ClinVar aggregate classification (germline): Benign. Review status: criteria provided, multiple submitters, no conflicts (2 of 4 stars). 11 submissions from 8 submitters: Benign (11). Last evaluated 2026-02-01.

Conditions:
Insulin-resistant diabetes mellitus AND acanthosis nigricans. Also called: type A insulin resistance; DIABETES MELLITUS, INSULIN-RESISTANT, WITH ACANTHOSIS NIGRICANS, TYPE A; Insulin-resistance syndrome type A; INSULIN RECEPTOR, DEFECT IN, WITH INSULIN-RESISTANT DIABETES MELLITUS AND ACANTHOSIS NIGRICANS; IRAN, TYPE A. Identifiers: Orphanet 2297, MedGen C0342278, MONDO:0012520, OMIM 610549.
Leprechaunism syndrome. Also called: Donohue syndrome; LEPRECHAUNISM. Identifiers: Orphanet 508, MedGen C0265344, MONDO:0009517, OMIM 246200.
Rabson-Mendenhall syndrome. Also called: Pineal Hyperplasia, Insulin-Resistant Diabetes Mellitus, and Somatic Abnormalities; Pineal hyperplasia AND diabetes mellitus syndrome; MENDENHALL SYNDROME. Identifiers: Orphanet 769, MedGen C0271695, MONDO:0009874, OMIM 262190.

Allele frequency attached by ClinVar (database versions not stated): TOPMed 0.22310; ESP Exome Variant Server 0.22551; 1000 Genomes Project 30x 0.23501; 1000 Genomes Project 0.24481.
gnomAD v4.1: 393,283 of 1,613,598 alleles (24%); highest among the groups gnomAD compares: Middle Eastern, 28%; 48,864 homozygotes.

Submissions (11):

Labcorp Genetics (formerly Invitae), Labcorp
Classification: Benign. Last evaluated: 2026-02-01. Review status: criteria provided, single submitter. Criteria: Invitae Variant Classification Sherloc (09022015). Collection method: clinical testing. Allele origin: germline.

Blueprint Genetics
Classification: Benign. Last evaluated: 2024-11-28. Review status: criteria provided, single submitter. Criteria: ACMG Guidelines, 2015. Collection method: clinical testing. Allele origin: germline.

Genome-Nilou Lab
Classification: Benign for Leprechaunism syndrome. Last evaluated: 2021-08-19. Review status: criteria provided, single submitter. Criteria: ACMG Guidelines, 2015. Collection method: clinical testing. Allele origin: germline. Affected: no.

Genome-Nilou Lab
Classification: Benign for Rabson-Mendenhall syndrome. Last evaluated: 2021-08-19. Review status: criteria provided, single submitter. Criteria: ACMG Guidelines, 2015. Collection method: clinical testing. Allele origin: germline. Affected: no.

GeneDx
Classification: Benign. Last evaluated: 2021-06-09. Review status: criteria provided, single submitter. Criteria: GeneDx Variant Classification Process June 2021. Collection method: clinical testing. Allele origin: germline. Affected: yes.
Comment: This variant is associated with the following publications: (PMID: 10933564)

ARUP Laboratories, Molecular Genetics and Genomics, ARUP Laboratories
Classification: Benign. Last evaluated: 2021-02-04. Review status: criteria provided, single submitter. Criteria: ARUP Molecular Germline Variant Investigation Process 2021. Collection method: clinical testing. Allele origin: germline.

Illumina Laboratory Services, Illumina
Classification: Benign for Rabson-Mendenhall syndrome. Last evaluated: 2018-01-15. Review status: criteria provided, single submitter. Criteria: ICSL Variant Classification Criteria 13 December 2019. Collection method: clinical testing. Allele origin: germline.
Comment: This variant was observed as part of a predisposition screen in an ostensibly healthy population. A literature search was performed for the gene, cDNA change, and amino acid change (where applicable). No publications were found based on this search. Allele frequency data from public databases was too high to be consistent with this variant causing disease. Therefore, this variant is classified as benign.

Illumina Laboratory Services, Illumina
Classification: Benign for Leprechaunism syndrome. Last evaluated: 2017-04-27. Review status: criteria provided, single submitter. Criteria: ICSL Variant Classification Criteria 13 December 2019. Collection method: clinical testing. Allele origin: germline.
Comment: the same text as in the submission from Illumina Laboratory Services, Illumina above.

Illumina Laboratory Services, Illumina
Classification: Benign for Insulin-resistant diabetes mellitus AND acanthosis nigricans. Last evaluated: 2017-04-27. Review status: criteria provided, single submitter. Criteria: ICSL Variant Classification Criteria 13 December 2019. Collection method: clinical testing. Allele origin: germline.
Comment: This variant was observed as part of a predisposition screen in an ostensibly healthy population. A literature search was performed for the gene, cDNA change, and amino acid change (where applicable). Publications were found based on this search. The evidence from the literature, in combination with allele frequency data from public databases where available, was sufficient to rule this variant out of causing disease. Therefore, this variant is classified as benign.

Eurofins Ntd Llc (ga)
Classification: Benign. Last evaluated: 2015-01-28. Review status: criteria provided, single submitter. Criteria: EGL Classification Definitions 2015. Collection method: clinical testing. Allele origin: germline. Observed: 1 variant allele, 1 heterozygote.

Breakthrough Genomics
Classification: Benign. Review status: criteria provided, single submitter. Criteria: ACMG Guidelines, 2015. Collection method: not provided. Allele origin: germline. Inheritance: Autosomal recessive inheritance. Affected: yes.

Literature cited by the submitters: PubMed 10933564 (cited by Illumina Laboratory Services, Illumina).

NM_000208.4(INSR):c.1650G>A (p.Ala550=)

Gene: INSR (insulin receptor; minus strand). Cytogenetic location: 19p13.2.
Variant type: single nucleotide variant.
Coding change: c.1650G>A on transcript NM_000208.4 (MANE Select); coding-DNA position 1650, G replaced by A.
Protein change: p.Ala550=; no amino-acid change (alanine 550 retained).
Molecular consequence: synonymous variant.
Genome position (GRCh38, 1-based): chr19:7,166,365, C>T on the plus strand (G>A on the coding strand, the complement: INSR is on the minus strand). VCF-style: chr19-7166365-C-T. GRCh37 (hg19) VCF-style: chr19-7166376-C-T.
Other names: c.1650G>A, p.Ala550= (NM_001079817.3).
Identifiers: ClinVar variation 198697 (VCV000198697.29), dbSNP rs2059806, ClinGen allele CA203559.
Genomic context (GRCh38, chr19:7,166,365, plus strand): 5'-GGGGTCGTTGGACCTCAGGGGTGGGTCAATGTCTACCACCGTCCAACTGTTGGAACCACA[C>T]GCATCCTGCCCGTCGAACTCCGTCACATTCTGATAAGGGCTTTCAAGACAAAACAGCAGA-3'
Protein context (NP_000199.2, residues 540-560): QNVTEFDGQD[Ala550=]CGSNSWTVVD